The following is an entry in ClinVar:

NM_001384140.1(PCDH15):c.157+41381G>C

Genes: PCDH15 (protocadherin related 15; minus strand), LOC105378311 (uncharacterized LOC105378311; plus strand). Cytogenetic location: 10q21.1.
Variant type: single nucleotide variant.
Coding change: c.157+41381G>C on transcript NM_001384140.1 (MANE Select); 41381 bases into the intron after coding-DNA position 157, G replaced by C.
Molecular consequence: intron variant.
Genome position (GRCh38, 1-based): chr10:54,486,431, C>G on the plus strand (G>C on the coding strand, the complement: PCDH15 is on the minus strand). VCF-style: chr10-54486431-C-G. GRCh37 (hg19) VCF-style: chr10-56246191-C-G.
Other names: c.157+41381G>C (NM_001354420.2, NM_001354429.2, NM_001142772.2 and 8 more transcripts); c.172+41381G>C (NM_001142771.2, NM_001142769.3, NM_001142763.2); c.92-107489G>C (NM_001354404.2, NM_001142773.2, NM_001142768.2).
Identifiers: ClinVar variation 1321407 (VCV001321407.1), dbSNP rs115394626, ClinGen allele CA207599607.

ClinVar aggregate classification (germline): Benign (1 of 4 stars; one submission).

Allele frequency attached by ClinVar (database versions not stated): gnomAD 0.01718 and 0.01591; TOPMed 0.01815; 1000 Genomes Project 0.02157; 1000 Genomes Project 30x 0.02217.

Submission:

Women's Health and Genetics/Laboratory Corporation of America, LabCorp
Classification: Benign. Last evaluated: 2021-10-22. Review status: criteria provided, single submitter. Criteria: LabCorp Variant Classification Summary - May 2015. Collection method: clinical testing. Allele origin: germline.
Comment: Variant summary: PCDH15 c.157+41381G>C is located at a position not widely known to affect splicing. 4/4 computational tools predict no significant impact on normal splicing. However, these predictions have yet to be confirmed by functional studies. The variant allele was found at a frequency of 0.016 in 31318 control chromosomes, predominantly at a frequency of 0.057 within the African or African-American subpopulation in the gnomAD database, including 8 homozygotes. The observed variant frequency within African or African-American control individuals in the gnomAD database is approximately 18-fold of the estimated maximal expected allele frequency for a pathogenic variant in PCDH15 causing Usher Syndrome Type 1F phenotype (0.0032), strongly suggesting that the variant is a benign polymorphism found primarily in populations of African or African-American origin. To our knowledge, no occurrence of c.157+41381G>C in individuals affected with Usher Syndrome Type 1F and no experimental evidence demonstrating its impact on protein function have been reported. No clinical diagnostic laboratories have submitted clinical-significance assessments for this variant to ClinVar after 2014. Based on the evidence outlined above, the variant was classified as benign.